The following is an entry in ClinVar:

ClinVar aggregate classification (germline): not provided (0 of 4 stars; one submission).

Conditions:
Large for gestational age. Identifiers: MedGen C1848395, HP:0001520.

Submission:

Institute of Molecular and Cell Biology, University of Tartu
No classification provided. Condition: Large for gestational age. Review status: no classification provided. Collection method: case-control. Allele origin: unknown. Affected: yes. Study: Kasak2014.
Comment: The study aimed to determine the contribution of copy number variants in the genetic etiology of normal and complicated pregnancies. The samples represented (i) maternal blood DNA drawn from healthy pregnant women during 1st or 2nd trimester and (ii) maternal and paternal blood DNA drawn at term pregnancy cases representing normal and complicated gestations (severe preeclampsia, PE; gestational diabetes, GD; small-for-gestational age newborn, SGA; large-for-gestational age newborn, LGA). We performed CNV calling based on genome-wide genotyping dataset (Illumina HumanOmniExpress-24-v1 BeadChip) by applying three algorithms, QuantiSNP, GADA (Genome Alteration Detection Algorithm) and CNstream in parallel. The acquired CNV calls were merged with HD-CNV (Hotspot Detector for Copy Number Variants) program and only the CNVs predicted by at least two programs, were considered in subsequent analysis.

Literature cited by the submitters: PubMed 25666259.

Single allele

Variant type: Deletion.
Identifiers: ClinVar variation 157435 (VCV000157435.2).